The following is an entry in ClinVar:

ClinVar aggregate classification (germline): Uncertain significance. Review status: criteria provided, multiple submitters, no conflicts (2 of 4 stars). 2 submissions from 2 submitters: Uncertain significance (2). Last evaluated 2024-01-07.

Conditions:
Developmental and epileptic encephalopathy, 2 (DEE2). Also called: INFANTILE SPASM SYNDROME, X-LINKED 2; CDKL5 deficiency disorder. Identifiers: Orphanet 1934, Orphanet 3451, Orphanet 505652, MedGen C4750718, MONDO:0010396, OMIM 300672.
Angelman syndrome-like. Identifiers: MedGen CN128785.

Allele frequency attached by ClinVar (database versions not stated): TOPMed 0.00003.
gnomAD v4.1: 4 of 1,204,499 alleles (0.00033%); highest among the groups gnomAD compares: Non-Finnish European, 0.00034%; no homozygotes.

Submissions (2):

Labcorp Genetics (formerly Invitae), Labcorp
Classification: Uncertain significance for Developmental and epileptic encephalopathy, 2; Angelman syndrome-like. Last evaluated: 2024-01-07. Review status: criteria provided, single submitter. Criteria: Invitae Variant Classification Sherloc (09022015). Collection method: clinical testing. Allele origin: germline.
Comment: This sequence change replaces arginine, which is basic and polar, with leucine, which is neutral and non-polar, at codon 248 of the CDKL5 protein (p.Arg248Leu). This variant is not present in population databases (gnomAD no frequency). This variant has not been reported in the literature in individuals affected with CDKL5-related conditions. ClinVar contains an entry for this variant (Variation ID: 422559). An algorithm developed to predict the effect of missense changes on protein structure and function (PolyPhen-2) suggests that this variant is likely to be disruptive. In summary, the available evidence is currently insufficient to determine the role of this variant in disease. Therefore, it has been classified as a Variant of Uncertain Significance.

GeneDx
Classification: Uncertain significance. Last evaluated: 2021-04-07. Review status: criteria provided, single submitter. Criteria: GeneDx Variant Classification Process June 2021. Collection method: clinical testing. Allele origin: germline. Affected: yes.
Comment: In silico analysis supports that this missense variant has a deleterious effect on protein structure/function; Has not been previously published as pathogenic or benign to our knowledge

NM_001323289.2(CDKL5):c.743G>T (p.Arg248Leu)

Gene: CDKL5 (cyclin dependent kinase like 5; plus strand). Cytogenetic location: Xp22.13.
Variant type: single nucleotide variant.
Coding change: c.743G>T on transcript NM_001323289.2 (MANE Select); coding-DNA position 743, G replaced by T.
Protein change: p.Arg248Leu; replaces arginine 248 with leucine.
Molecular consequence: missense variant.
Genome position (GRCh38, 1-based): chrX:18,588,142, G>T. VCF-style: chrX-18588142-G-T. GRCh37 (hg19) VCF-style: chrX-18606262-G-T.
Other names: c.743G>T, p.Arg248Leu (NM_001037343.2, NM_003159.3); short protein forms R248L.
Identifiers: ClinVar variation 422559 (VCV000422559.9), dbSNP rs1064795857, ClinGen allele CA16621271.
Genomic context (GRCh38, chrX:18,588,142, plus strand): 5'-GACCACTTCCATCTGAGCAGATGAAGCTTTTCTACAGTAATCCTCGCTTCCATGGGCTCC[G>T]GGTAAGAGGTTTTGCTGAAACCCAAAATGGAATCAATACTGCAGTATTTGAGTCATTGTT-3'
Protein context (NP_001310218.1, residues 238-258): FYSNPRFHGL[Arg248Leu]FPAVNHPQSL